The following is an entry in ClinVar:

ClinVar aggregate classification (germline): Uncertain significance. Review status: criteria provided, multiple submitters, no conflicts (2 of 4 stars). 3 submissions from 3 submitters: Uncertain significance (3). Last evaluated 2025-08-29.

Conditions:
Hereditary cancer-predisposing syndrome. Also called: Hereditary neoplastic syndrome; Neoplastic Syndromes, Hereditary; Tumor predisposition; Hereditary Cancer Syndrome. Identifiers: Orphanet 140162, MedGen C0027672, MeSH D009386, MONDO:0015356.
Oligodontia-cancer predisposition syndrome. Also called: TOOTH AGENESIS-COLORECTAL CANCER SYNDROME. Identifiers: Orphanet 300576, MedGen C1837750, MONDO:0012075, OMIM 608615. Disease mechanism: loss of function.

Allele frequency attached by ClinVar (database versions not stated): gnomAD exomes 0.00001.

Submissions (3):

Quest Diagnostics Nichols Institute San Juan Capistrano
Classification: Uncertain significance. Last evaluated: 2025-08-29. Review status: criteria provided, single submitter. Criteria: Quest Diagnostics criteria. Collection method: clinical testing. Allele origin: unknown.
Comment: The AXIN2 c.2333G>A (p.Arg778Gln) variant has not been reported in individuals with AXIN2-related conditions in the published literature. This variant has not been reported in large, multi-ethnic general populations (Genome Aggregation Database). Analysis of this variant using bioinformatics tools for the prediction of the effect of amino acid changes on protein structure and function yielded conflicting predictions that this variant is benign or damaging. Based on the available information, we are unable to determine the clinical significance of this variant.

Labcorp Genetics (formerly Invitae), Labcorp
Classification: Uncertain significance for Oligodontia-cancer predisposition syndrome. Last evaluated: 2024-10-29. Review status: criteria provided, single submitter. Criteria: Invitae Variant Classification Sherloc (09022015). Collection method: clinical testing. Allele origin: germline.
Comment: This sequence change replaces arginine, which is basic and polar, with glutamine, which is neutral and polar, at codon 778 of the AXIN2 protein (p.Arg778Gln). This variant is not present in population databases (gnomAD no frequency). This variant has not been reported in the literature in individuals affected with AXIN2-related conditions. ClinVar contains an entry for this variant (Variation ID: 533192). Invitae Evidence Modeling of protein sequence and biophysical properties (such as structural, functional, and spatial information, amino acid conservation, physicochemical variation, residue mobility, and thermodynamic stability) indicates that this missense variant is expected to disrupt AXIN2 protein function with a positive predictive value of 80%. In summary, the available evidence is currently insufficient to determine the role of this variant in disease. Therefore, it has been classified as a Variant of Uncertain Significance.

Ambry Genetics
Classification: Uncertain significance for Hereditary cancer-predisposing syndrome. Last evaluated: 2024-04-06. Review status: criteria provided, single submitter. Criteria: Ambry Variant Classification Scheme 2023. Collection method: clinical testing. Allele origin: germline.
Comment: The p.R778Q variant (also known as c.2333G>A), located in coding exon 9 of the AXIN2 gene, results from a G to A substitution at nucleotide position 2333. The arginine at codon 778 is replaced by glutamine, an amino acid with highly similar properties. This amino acid position is highly conserved in available vertebrate species. In addition, the in silico prediction for this alteration is inconclusive. Since supporting evidence is limited at this time, the clinical significance of this alteration remains unclear.

NM_004655.4(AXIN2):c.2333G>A (p.Arg778Gln)

Gene: AXIN2 (axin 2; minus strand). Cytogenetic location: 17q24.1.
Variant type: single nucleotide variant.
Coding change: c.2333G>A on transcript NM_004655.4 (MANE Select); coding-DNA position 2333, G replaced by A.
Protein change: p.Arg778Gln; replaces arginine 778 with glutamine.
Molecular consequence: missense variant.
Genome position (GRCh38, 1-based): chr17:65,533,984, C>T on the plus strand (G>A on the coding strand, the complement: AXIN2 is on the minus strand). VCF-style: chr17-65533984-C-T. GRCh37 (hg19) VCF-style: chr17-63530102-C-T.
Other names: c.2333G>A (LRG_296t1); c.2138G>A, p.Arg713Gln (NM_001363813.1); short protein forms R778Q, R713Q.
Identifiers: ClinVar variation 533192 (VCV000533192.10), dbSNP rs1555576374, ClinGen allele CA400675480.